The following is an entry in ClinVar:

NM_004758.4(TSPOAP1):c.2010C>G (p.Pro670=)

Gene: TSPOAP1 (TSPO associated protein 1; minus strand). Cytogenetic location: 17q22.
Variant type: single nucleotide variant.
Coding change: c.2010C>G on transcript NM_004758.4 (MANE Select); coding-DNA position 2010, C replaced by G.
Protein change: p.Pro670=; no amino-acid change (proline 670 retained).
Molecular consequence: synonymous variant.
Genome position (GRCh38, 1-based): chr17:58,316,111, G>C on the plus strand (C>G on the coding strand, the complement: TSPOAP1 is on the minus strand). VCF-style: chr17-58316111-G-C. GRCh37 (hg19) VCF-style: chr17-56393472-G-C.
Other names: c.2010C>G, p.Pro670= (NM_001261835.2); c.1830C>G, p.Pro610= (NM_024418.3).
Identifiers: ClinVar variation 5038999 (VCV005038999.1).
Genomic context (GRCh38, chr17:58,316,111, plus strand): 5'-GCCATAGATGTAGATGTACTCGCCAGCTGTCAGCGGAAGCTCTGCTTCTGGATTCTCATT[G>C]GGACCCTCAAAGGGGTTGTAGCTGTTAGGGGAGGCACAGAGGAGGAGGAGGAGAGTGACC-3'
Protein context (NP_004749.2, residues 660-680): ARYSYNPFEG[Pro670=]NENPEAELPL

ClinVar aggregate classification (germline): Likely benign (1 of 4 stars; one submission).

gnomAD v4.1: 1,210 of 1,614,032 alleles (0.075%); highest among the groups gnomAD compares: African/African-American, 1.4%; 6 homozygotes.

Submission:

CeGaT Center for Human Genetics Tuebingen
Classification: Likely benign. Last evaluated: 2026-07-01. Review status: criteria provided, single submitter. Criteria: CeGaT Center For Human Genetics Tuebingen Variant Classification Criteria Version 2. Collection method: clinical testing. Allele origin: germline. Affected: yes. Observed: 1 variant allele.
Comment: TSPOAP1: BP4, BS1